The following is an entry in ClinVar:

NM_003630.3(PEX3):c.1053G>A (p.Met351Ile)

Gene: PEX3 (peroxisomal biogenesis factor 3; plus strand). Cytogenetic location: 6q24.2.
Variant type: single nucleotide variant.
Coding change: c.1053G>A on transcript NM_003630.3 (MANE Select); coding-DNA position 1053, G replaced by A.
Protein change: p.Met351Ile; replaces methionine 351 with isoleucine.
Molecular consequence: missense variant.
Genome position (GRCh38, 1-based): chr6:143,489,157, G>A. VCF-style: chr6-143489157-G-A. GRCh37 (hg19) VCF-style: chr6-143810294-G-A.
Other names: short protein forms M351I.
Identifiers: ClinVar variation 1444720 (VCV001444720.3), dbSNP rs1443228205, ClinGen allele CA365888551.

ClinVar aggregate classification (germline): Uncertain significance (1 of 4 stars; one submission).

Allele frequency attached by ClinVar (database versions not stated): gnomAD exomes below 0.00001 and 0.00001; TOPMed 0.00001.
gnomAD v4.1: 2 of 1,604,298 alleles (0.00012%); highest among the groups gnomAD compares: Admixed American, 0.0033%; no homozygotes.

Submission:

Labcorp Genetics (formerly Invitae), Labcorp
Classification: Uncertain significance. Last evaluated: 2021-09-09. Review status: criteria provided, single submitter. Criteria: Invitae Variant Classification Sherloc (09022015). Collection method: clinical testing. Allele origin: germline.
Comment: This sequence change replaces methionine with isoleucine at codon 351 of the PEX3 protein (p.Met351Ile). The methionine residue is moderately conserved and there is a small physicochemical difference between methionine and isoleucine. This variant is not present in population databases (ExAC no frequency). This variant has not been reported in the literature in individuals affected with PEX3-related conditions. Algorithms developed to predict the effect of missense changes on protein structure and function (SIFT, PolyPhen-2, Align-GVGD) all suggest that this variant is likely to be tolerated. Algorithms developed to predict the effect of sequence changes on RNA splicing suggest that this variant may create or strengthen a splice site. In summary, the available evidence is currently insufficient to determine the role of this variant in disease. Therefore, it has been classified as a Variant of Uncertain Significance.